The following is an entry in ClinVar:

NM_013275.6(ANKRD11):c.4669C>G (p.Pro1557Ala)

Gene: ANKRD11 (ankyrin repeat domain containing 11; minus strand). Cytogenetic location: 16q24.3.
Variant type: single nucleotide variant.
Coding change: c.4669C>G on transcript NM_013275.6 (MANE Select); coding-DNA position 4669, C replaced by G.
Protein change: p.Pro1557Ala; replaces proline 1557 with alanine.
Molecular consequence: missense variant.
Genome position (GRCh38, 1-based): chr16:89,281,873, G>C on the plus strand (C>G on the coding strand, the complement: ANKRD11 is on the minus strand). VCF-style: chr16-89281873-G-C. GRCh37 (hg19) VCF-style: chr16-89348281-G-C.
Other names: c.4669C>G, p.Pro1557Ala (NM_001256182.2, NM_001256183.2); c.4669C>G (NM_013275.4); short protein forms P1557A.
Identifiers: ClinVar variation 1209055 (VCV001209055.6), dbSNP rs374295517, ClinGen allele CA8242056.

ClinVar aggregate classification (germline): Uncertain significance. Review status: criteria provided, multiple submitters, no conflicts (2 of 4 stars). 2 submissions from 2 submitters: Uncertain significance (2). Last evaluated 2022-05-11.

Conditions:
Inborn genetic diseases. Identifiers: MedGen C0950123, MeSH D030342.

Allele frequency attached by ClinVar (database versions not stated): TOPMed below 0.00001; ExAC 0.00001; gnomAD 0.00001; gnomAD exomes 0.00001; ESP Exome Variant Server 0.00008.
gnomAD v4.1: 7 of 1,613,784 alleles (0.00043%); highest among the groups gnomAD compares: South Asian, 0.0011%; no homozygotes.

Submissions (2):

Ambry Genetics
Classification: Uncertain significance for Inborn genetic diseases. Last evaluated: 2022-05-11. Review status: criteria provided, single submitter. Criteria: Ambry Variant Classification Scheme 2023. Collection method: clinical testing. Allele origin: germline.

GeneDx
Classification: Uncertain significance. Last evaluated: 2021-02-12. Review status: criteria provided, single submitter. Criteria: GeneDx Variant Classification Process June 2021. Collection method: clinical testing. Allele origin: germline. Affected: yes.
Comment: Not observed at a significant frequency in large population cohorts (Lek et al., 2016); In silico analysis supports that this missense variant has a deleterious effect on protein structure/function; Missense variant in a gene in which most reported pathogenic variants are truncating/loss-of-function; Has not been previously published as pathogenic or benign to our knowledge